The following is an entry in ClinVar:

NM_002087.4(GRN):c.824C>T (p.Pro275Leu)

Gene: GRN (granulin precursor; plus strand). Cytogenetic location: 17q21.31.
Variant type: single nucleotide variant.
Coding change: c.824C>T on transcript NM_002087.4 (MANE Select); coding-DNA position 824, C replaced by T.
Protein change: p.Pro275Leu; replaces proline 275 with leucine.
Molecular consequence: missense variant.
Genome position (GRCh38, 1-based): chr17:44,351,152, C>T. VCF-style: chr17-44351152-C-T. GRCh37 (hg19) VCF-style: chr17-42428520-C-T.
Other names: short protein forms P275L.
Identifiers: ClinVar variation 2055788 (VCV002055788.4), dbSNP rs529849967, ClinGen allele CA8602020.

ClinVar aggregate classification (germline): Uncertain significance (1 of 4 stars; one submission).

Conditions:
Neuronal ceroid lipofuscinosis 11. Also called: GRN-Related Neuronal Ceroid-Lipofuscinosis. Identifiers: Orphanet 314629, Orphanet 79262, MedGen C3539123, MONDO:0013866, OMIM 614706.
GRN-related frontotemporal lobar degeneration with Tdp43 inclusions (FTD2). Also called: DEMENTIA, HEREDITARY DYSPHASIC DISINHIBITION; FRONTOTEMPORAL LOBAR DEGENERATION WITH UBIQUITIN-POSITIVE INCLUSIONS; FTLD-TDP, GRN-RELATED; GRN Frontotemporal Dementia; FRONTOTEMPORAL DEMENTIA WITH TDP43 INCLUSIONS, GRN-RELATED. Identifiers: Orphanet 100070, Orphanet 282, MedGen C1843792, MONDO:0011842, OMIM 607485. Disease mechanism: loss of function.

Allele frequency attached by ClinVar (database versions not stated): TOPMed 0.00002; gnomAD 0.00004; 1000 Genomes Project 30x 0.00016; 1000 Genomes Project 0.00020.

Submission:

Labcorp Genetics (formerly Invitae), Labcorp
Classification: Uncertain significance for Neuronal ceroid lipofuscinosis 11; GRN-related frontotemporal lobar degeneration with Tdp43 inclusions. Last evaluated: 2023-05-23. Review status: criteria provided, single submitter. Criteria: Invitae Variant Classification Sherloc (09022015). Collection method: clinical testing. Allele origin: germline.
Comment: In summary, the available evidence is currently insufficient to determine the role of this variant in disease. Therefore, it has been classified as a Variant of Uncertain Significance. Advanced modeling of protein sequence and biophysical properties (such as structural, functional, and spatial information, amino acid conservation, physicochemical variation, residue mobility, and thermodynamic stability) performed at Invitae indicates that this missense variant is not expected to disrupt GRN protein function. ClinVar contains an entry for this variant (Variation ID: 2055788). This variant has not been reported in the literature in individuals affected with GRN-related conditions. This variant is present in population databases (rs529849967, gnomAD 0.01%). This sequence change replaces proline, which is neutral and non-polar, with leucine, which is neutral and non-polar, at codon 275 of the GRN protein (p.Pro275Leu).